The following is an entry in ClinVar:

ClinVar aggregate classification (germline): Uncertain significance (1 of 4 stars; one submission).

Conditions:
Amyotrophic lateral sclerosis type 10 (ALS10). Also called: Amyotrophic lateral sclerosis 10, with or without FTD; AMYOTROPHIC LATERAL SCLEROSIS 10 WITHOUT FRONTOTEMPORAL DEMENTIA AND WITH TDP43 INCLUSIONS; AMYOTROPHIC LATERAL SCLEROSIS 10 WITH OR WITHOUT FRONTOTEMPORAL DEMENTIA AND WITH TDP43 INCLUSIONS; AMYOTROPHIC LATERAL SCLEROSIS 10 WITH OR WITHOUT FRONTOTEMPORAL DEMENTIA; TARDBP-Related Amyotrophic Lateral Sclerosis-Frontotemporal Dementia. Identifiers: Orphanet 275872, Orphanet 803, MedGen C2677565, MONDO:0012790, OMIM 612069.
FRONTOTEMPORAL LOBAR DEGENERATION WITH TDP43 INCLUSIONS, TARDBP-RELATED. Also called: Frontotemporal lobar degeneration, TARDBP-related. Identifiers: MedGen C3150169, OMIM 612069.

Submission:

Labcorp Genetics (formerly Invitae), Labcorp
Classification: Uncertain significance for Amyotrophic lateral sclerosis type 10; FRONTOTEMPORAL LOBAR DEGENERATION WITH TDP43 INCLUSIONS, TARDBP-RELATED. Last evaluated: 2025-03-11. Review status: criteria provided, single submitter. Criteria: Invitae Variant Classification Sherloc (09022015). Collection method: clinical testing. Allele origin: germline.
Comment: This sequence change replaces phenylalanine, which is neutral and non-polar, with valine, which is neutral and non-polar, at codon 231 of the TARDBP protein (p.Phe231Val). This variant is not present in population databases (gnomAD no frequency). This variant has not been reported in the literature in individuals affected with TARDBP-related conditions. Invitae Evidence Modeling of protein sequence and biophysical properties (such as structural, functional, and spatial information, amino acid conservation, physicochemical variation, residue mobility, and thermodynamic stability) indicates that this missense variant is expected to disrupt TARDBP protein function with a positive predictive value of 80%. In summary, the available evidence is currently insufficient to determine the role of this variant in disease. Therefore, it has been classified as a Variant of Uncertain Significance.

NM_007375.4(TARDBP):c.691T>G (p.Phe231Val)

Gene: TARDBP (TAR DNA binding protein; plus strand). Cytogenetic location: 1p36.22.
Variant type: single nucleotide variant.
Coding change: c.691T>G on transcript NM_007375.4 (MANE Select); coding-DNA position 691, T replaced by G.
Protein change: p.Phe231Val; replaces phenylalanine 231 with valine.
Molecular consequence: missense variant.
Genome position (GRCh38, 1-based): chr1:11,020,576, T>G. VCF-style: chr1-11020576-T-G. GRCh37 (hg19) VCF-style: chr1-11080633-T-G.
Other names: short protein forms F231V.
Identifiers: ClinVar variation 4783186 (VCV004783186.1).